The following is an entry in ClinVar:

NM_002047.4(GARS1):c.1359C>T (p.Tyr453=)

Gene: GARS1 (glycyl-tRNA synthetase 1; plus strand). Cytogenetic location: 7p14.3.
Variant type: single nucleotide variant.
Coding change: c.1359C>T on transcript NM_002047.4 (MANE Select); coding-DNA position 1359, C replaced by T.
Protein change: p.Tyr453=; no amino-acid change (tyrosine 453 retained).
Molecular consequence: synonymous variant.
Genome position (GRCh38, 1-based): chr7:30,617,278, C>T. VCF-style: chr7-30617278-C-T. GRCh37 (hg19) VCF-style: chr7-30656894-C-T.
Other names: c.1359C>T (LRG_243t1); c.1197C>T, p.Tyr399= (NM_001316772.1).
Identifiers: ClinVar variation 580459 (VCV000580459.16), dbSNP rs901778260, ClinGen allele CA156053109.
Genomic context (GRCh38, chr7:30,617,278, plus strand): 5'-GGAGAATGAGATGGCCCATTATGCCTGTGACTGTTGGGATGCAGAATCCAAAACATCCTA[C>T]GTAAGTGGAGTGCTGTTTACCATGTGATTTTCACATTGTTAACTTAGAAGCACAGGTACC-3'
Protein context (NP_002038.2, residues 443-463): DCWDAESKTS[Tyr453=]GWIEIVGCAD

ClinVar aggregate classification (germline): Conflicting classifications of pathogenicity. Review status: criteria provided, conflicting classifications (1 of 4 stars). 2 submissions from 2 submitters: Uncertain significance (1); Likely benign (1). Last evaluated 2024-10-15.

Conditions:
Charcot-Marie-Tooth disease type 2. Also called: Charcot-Marie-Tooth type 2. Identifiers: Orphanet 64746, MedGen C0270914, MONDO:0018993.

Allele frequency attached by ClinVar (database versions not stated): gnomAD exomes 0.00002; gnomAD 0.00002; TOPMed 0.00002.
gnomAD v4.1: 29 of 1,613,604 alleles (0.0018%); highest among the groups gnomAD compares: Non-Finnish European, 0.0025%; no homozygotes.

Submissions (2):

Labcorp Genetics (formerly Invitae), Labcorp
Classification: Uncertain significance for Charcot-Marie-Tooth disease type 2. Last evaluated: 2024-10-15. Review status: criteria provided, single submitter. Criteria: Invitae Variant Classification Sherloc (09022015). Collection method: clinical testing. Allele origin: germline.
Comment: This sequence change affects codon 453 of the GARS mRNA. It is a 'silent' change, meaning that it does not change the encoded amino acid sequence of the GARS protein. It affects a nucleotide within the consensus splice site. This variant is present in population databases (no rsID available, gnomAD 0.007%). This variant has not been reported in the literature in individuals affected with GARS-related conditions. ClinVar contains an entry for this variant (Variation ID: 580459). Algorithms developed to predict the effect of sequence changes on RNA splicing suggest that this variant is not likely to affect RNA splicing. In summary, the available evidence is currently insufficient to determine the role of this variant in disease. Therefore, it has been classified as a Variant of Uncertain Significance.

ARUP Laboratories, Molecular Genetics and Genomics, ARUP Laboratories
Classification: Likely benign. Last evaluated: 2021-09-16. Review status: criteria provided, single submitter. Criteria: ARUP Molecular Germline Variant Investigation Process 2021. Collection method: clinical testing. Allele origin: germline.